The following is an entry in ClinVar:

ClinVar aggregate classification (germline): Uncertain significance. Review status: criteria provided, multiple submitters, no conflicts (2 of 4 stars). 3 submissions from 3 submitters: Uncertain significance (3). Last evaluated 2026-08-04.

Conditions:
JAG1-related disorder. Also called: JAG1-related condition; JAG1-related disorders.
Cardiovascular phenotype. Identifiers: MedGen CN230736.
Alagille syndrome due to a JAG1 point mutation. Also called: Alagille Syndrome 1; JAG1-Related Alagille Syndrome; HEPATIC DUCTULAR HYPOPLASIA, SYNDROMATIC. Identifiers: Orphanet 261619, Orphanet 52, MedGen C1956125, MONDO:0016862, OMIM 118450.

Allele frequency attached by ClinVar (database versions not stated): TOPMed below 0.00001; gnomAD exomes 0.00001.
gnomAD v4.1: 14 of 1,614,114 alleles (0.00087%); highest among the groups gnomAD compares: Non-Finnish European, 0.0011%; no homozygotes.

Submissions (3):

PreventionGenetics, part of Exact Sciences
Classification: Uncertain significance for JAG1-related condition. Last evaluated: 2026-08-04. Review status: criteria provided, single submitter. Criteria: ACMG Guidelines, 2015. Collection method: clinical testing. Allele origin: germline.
Comment: The JAG1 c.442C>T variant is predicted to result in the amino acid substitution p.Pro148Ser. To our knowledge, this variant has not been reported in the literature or in a large population database (gnomAD), indicating this variant is rare. At this time, the clinical significance of this variant is uncertain due to the absence of conclusive functional and genetic evidence.

Labcorp Genetics (formerly Invitae), Labcorp
Classification: Uncertain significance for Alagille syndrome due to a JAG1 point mutation. Last evaluated: 2024-11-06. Review status: criteria provided, single submitter. Criteria: Invitae Variant Classification Sherloc (09022015). Collection method: clinical testing. Allele origin: germline.
Comment: This sequence change replaces proline, which is neutral and non-polar, with serine, which is neutral and polar, at codon 148 of the JAG1 protein (p.Pro148Ser). This variant is not present in population databases (gnomAD no frequency). This variant has not been reported in the literature in individuals affected with JAG1-related conditions. ClinVar contains an entry for this variant (Variation ID: 941793). An algorithm developed to predict the effect of missense changes on protein structure and function (PolyPhen-2) suggests that this variant is likely to be tolerated. In summary, the available evidence is currently insufficient to determine the role of this variant in disease. Therefore, it has been classified as a Variant of Uncertain Significance.

Ambry Genetics
Classification: Uncertain significance for Cardiovascular phenotype. Last evaluated: 2024-06-28. Review status: criteria provided, single submitter. Criteria: Ambry Variant Classification Scheme 2023. Collection method: clinical testing. Allele origin: germline.
Comment: The p.P148S variant (also known as c.442C>T), located in coding exon 4 of the JAG1 gene, results from a C to T substitution at nucleotide position 442. The proline at codon 148 is replaced by serine, an amino acid with similar properties. This amino acid position is conserved. In addition, this alteration is predicted to be tolerated by in silico analysis. Based on the available evidence, the clinical significance of this variant remains unclear.

NM_000214.3(JAG1):c.442C>T (p.Pro148Ser)

Gene: JAG1 (jagged canonical Notch ligand 1; minus strand). Cytogenetic location: 20p12.2.
Variant type: single nucleotide variant.
Coding change: c.442C>T on transcript NM_000214.3 (MANE Select); coding-DNA position 442, C replaced by T.
Protein change: p.Pro148Ser; replaces proline 148 with serine.
Molecular consequence: missense variant.
Genome position (GRCh38, 1-based): chr20:10,658,720, G>A on the plus strand (C>T on the coding strand, the complement: JAG1 is on the minus strand). VCF-style: chr20-10658720-G-A. GRCh37 (hg19) VCF-style: chr20-10639368-G-A.
Other names: short protein forms P148S.
Identifiers: ClinVar variation 941793 (VCV000941793.9), dbSNP rs1355919795, ClinGen allele CA408240708.